The following is an entry in ClinVar:

ClinVar aggregate classification (germline): Uncertain significance (1 of 4 stars; one submission).

Conditions:
Cardiovascular phenotype. Identifiers: MedGen CN230736.

Submission:

Ambry Genetics
Classification: Uncertain significance for Cardiovascular phenotype. Last evaluated: 2025-03-04. Review status: criteria provided, single submitter. Criteria: Ambry Variant Classification Scheme 2023. Collection method: clinical testing. Allele origin: germline.
Comment: The p.E984D variant (also known as c.2952A>C), located in coding exon 18 of the SOS1 gene, results from an A to C substitution at nucleotide position 2952. The glutamic acid at codon 984 is replaced by aspartic acid, an amino acid with highly similar properties. This amino acid position is conserved. In addition, this alteration is predicted to be tolerated by in silico analysis. Based on the available evidence, the clinical significance of this variant remains unclear.

NM_005633.4(SOS1):c.2952A>C (p.Glu984Asp)

Gene: SOS1 (SOS Ras/Rac guanine nucleotide exchange factor 1; minus strand). Cytogenetic location: 2p22.1.
Variant type: single nucleotide variant.
Coding change: c.2952A>C on transcript NM_005633.4 (MANE Select); coding-DNA position 2952, A replaced by C.
Protein change: p.Glu984Asp; replaces glutamic acid 984 with aspartic acid.
Molecular consequence: missense variant.
Genome position (GRCh38, 1-based): chr2:38,997,265, T>G on the plus strand (A>C on the coding strand, the complement: SOS1 is on the minus strand). VCF-style: chr2-38997265-T-G. GRCh37 (hg19) VCF-style: chr2-39224406-T-G.
Other names: c.2931A>C, p.Glu977Asp (NM_001382394.1); c.2952A>C, p.Glu984Asp (NM_001382395.1); short protein forms E977D, E984D.
Identifiers: ClinVar variation 3799896 (VCV003799896.1).